The following is an entry in ClinVar:

ClinVar aggregate classification (germline): Uncertain significance (1 of 4 stars; one submission).

Conditions:
Saldino-Mainzer syndrome (SRTD9). Also called: CONORENAL SYNDROME; Renal dysplasia, retinal pigmentary dystrophy, cerebellar ataxia and skeletal dysplasia; SHORT-RIB THORACIC DYSPLASIA 9 WITHOUT POLYDACTYLY; short-rib thoracic dysplasia 9 with or without polydactyly. Identifiers: Orphanet 140969, MedGen C1849437, MONDO:0009964, OMIM 266920.

Submission:

Labcorp Genetics (formerly Invitae), Labcorp
Classification: Uncertain significance for Saldino-Mainzer syndrome. Last evaluated: 2025-07-31. Review status: criteria provided, single submitter. Criteria: Invitae Variant Classification Sherloc (09022015). Collection method: clinical testing. Allele origin: germline.
Comment: This sequence change replaces leucine, which is neutral and non-polar, with valine, which is neutral and non-polar, at codon 152 of the IFT140 protein (p.Leu152Val). This variant is not present in population databases (gnomAD no frequency). This variant has not been reported in the literature in individuals affected with IFT140-related conditions. ClinVar contains an entry for this variant (Variation ID: 2063609). Invitae Evidence Modeling of protein sequence and biophysical properties (such as structural, functional, and spatial information, amino acid conservation, physicochemical variation, residue mobility, and thermodynamic stability) indicates that this missense variant is not expected to disrupt IFT140 protein function with a negative predictive value of 95%. This variant disrupts the p.Leu152 amino acid residue in IFT140. Other variant(s) that disrupt this residue have been determined to be pathogenic (PMID: 23418020, 29688594; internal data). This suggests that this residue is clinically significant, and that variants that disrupt this residue are likely to be disease-causing. In summary, the available evidence is currently insufficient to determine the role of this variant in disease. Therefore, it has been classified as a Variant of Uncertain Significance.

Literature cited by the submitters: PubMed 23418020; PubMed 29688594.

NM_014714.4(IFT140):c.454C>G (p.Leu152Val)

Genes: IFT140 (intraflagellar transport 140; minus strand), LOC105371046 (uncharacterized LOC105371046; plus strand). Cytogenetic location: 16p13.3.
Variant type: single nucleotide variant.
Coding change: c.454C>G on transcript NM_014714.4 (MANE Select); coding-DNA position 454, C replaced by G.
Protein change: p.Leu152Val; replaces leucine 152 with valine.
Molecular consequence: missense variant.
Genome position (GRCh38, 1-based): chr16:1,592,504, G>C on the plus strand (C>G on the coding strand, the complement: IFT140 is on the minus strand). VCF-style: chr16-1592504-G-C. GRCh37 (hg19) VCF-style: chr16-1642505-G-C.
Other names: short protein forms L152V.
Identifiers: ClinVar variation 2063609 (VCV002063609.4), dbSNP rs1403669200, ClinGen allele CA394220716.
Genomic context (GRCh38, chr16:1,592,504, plus strand): 5'-CACAGGGCAAGCCCCACACTTACTCGCCAGGAGGGGGGAGCCGGAAGATGCAGTGCGTGA[G>C]GTGTTTCCCATACTCGTGTTTCAGCAGAGGCGTCCCTTGCACTCGGCCCCTTTGGTCCAA-3'
Protein context (NP_055529.2, residues 142-162): PLLKHEYGKH[Leu152Val]THCIFRLPPP